The following is an entry in ClinVar:

ClinVar aggregate classification (germline): Benign/Likely benign. Review status: criteria provided, multiple submitters, no conflicts (2 of 4 stars). 2 submissions from 2 submitters: Benign (1); Likely benign (1). Last evaluated 2026-02-01.

Conditions:
Hypogonadotropic hypogonadism 1 with or without anosmia (HH1). Also called: DYSPLASIA OLFACTOGENITALIS OF DE MORSIER; HYPOGONADOTROPIC HYPOGONADISM 1 WITH ANOSMIA; KAL1-Related GnRH Deficiency (Kallmann Syndrome 1; Kallmann Syndrome, X-Linked); Hypogonadotropic hypogonadism 1 with or without anosmia (Kallmann syndrome 1); HYPOGONADOTROPIC HYPOGONADISM AND ANOSMIA; Kallmann syndrome, type 1, X-linked. Identifiers: Orphanet 478, MedGen C1563719, MONDO:0010635, OMIM 308700. Disease mechanism: loss of function.

Allele frequency attached by ClinVar (database versions not stated): gnomAD 0.00013; gnomAD exomes 0.00014; TOPMed 0.00016; 1000 Genomes Project 30x 0.00021; 1000 Genomes Project 0.00026; ExAC 0.00034.
gnomAD v4.1: 175 of 1,205,903 alleles (0.015%); highest among the groups gnomAD compares: East Asian, 0.29%; no homozygotes.

Submissions (2):

CeGaT Center for Human Genetics Tuebingen
Classification: Likely benign. Last evaluated: 2026-02-01. Review status: criteria provided, single submitter. Criteria: CeGaT Center For Human Genetics Tuebingen Variant Classification Criteria Version 2. Collection method: clinical testing. Allele origin: germline. Affected: yes. Observed: 1 variant allele.
Comment: ANOS1: BP4, BP7, BS2

Labcorp Genetics (formerly Invitae), Labcorp
Classification: Benign for Hypogonadotropic hypogonadism 1 with or without anosmia. Last evaluated: 2025-02-13. Review status: criteria provided, single submitter. Criteria: Invitae Variant Classification Sherloc (09022015). Collection method: clinical testing. Allele origin: germline.

NM_000216.4(ANOS1):c.1293C>T (p.Val431=)

Gene: ANOS1 (anosmin 1; minus strand). Cytogenetic location: Xp22.31.
Variant type: single nucleotide variant.
Coding change: c.1293C>T on transcript NM_000216.4 (MANE Select); coding-DNA position 1293, C replaced by T.
Protein change: p.Val431=; no amino-acid change (valine 431 retained).
Molecular consequence: synonymous variant.
Genome position (GRCh38, 1-based): chrX:8,554,013, G>A on the plus strand (C>T on the coding strand, the complement: ANOS1 is on the minus strand). VCF-style: chrX-8554013-G-A. GRCh37 (hg19) VCF-style: chrX-8522054-G-A.
Identifiers: ClinVar variation 2961579 (VCV002961579.5), dbSNP rs757033333, ClinGen allele CA10343646.